The following is an entry in ClinVar:

ClinVar aggregate classification (germline): Pathogenic (1 of 4 stars; one submission).

Conditions:
Danon disease. Also called: PSEUDOGLYCOGENOSIS II; GSD IIb; LYSOSOMAL GLYCOGEN STORAGE DISEASE WITHOUT ACID MALTASE DEFICIENCY; ANTOPOL DISEASE; Glycogen Storage Disease Type IIb. Identifiers: Orphanet 34587, MedGen C0878677, MONDO:0010281, OMIM 300257.

Submission:

Labcorp Genetics (formerly Invitae), Labcorp
Classification: Pathogenic for Danon disease. Last evaluated: 2020-02-16. Review status: criteria provided, single submitter. Criteria: Invitae Variant Classification Sherloc (09022015). Collection method: clinical testing. Allele origin: germline.
Comment: This variant has not been reported in the literature in individuals with LAMP2-related conditions. This variant is not present in population databases (ExAC no frequency). This sequence change creates a premature translational stop signal (p.Ser12Phefs*21) in the LAMP2 gene. It is expected to result in an absent or disrupted protein product. Loss-of-function variants in LAMP2 are known to be pathogenic (PMID: 21415759). For these reasons, this variant has been classified as Pathogenic.

Literature cited by the submitters: PubMed 21415759.

NM_002294.3(LAMP2):c.34dup (p.Ser12fs)

Gene: LAMP2 (lysosome associated membrane protein 2; minus strand). Cytogenetic location: Xq24.
Variant type: Duplication.
Coding change: c.34dup on transcript NM_002294.3 (MANE Select); coding-DNA position 34, one base duplicated (T; older notation c.34dupT).
Protein change: p.Ser12fs; shifts the reading frame from serine 12.
Molecular consequence: frameshift variant.
Genome position (GRCh38, 1-based): chrX:120,469,136, A duplicated on the plus strand (T on the coding strand, the reverse complement: LAMP2 is on the minus strand). VCF-style (leftmost placement, unchanged base first): chrX-120469135-G-GA. GRCh37 (hg19) VCF-style: chrX-119602990-G-GA.
Other names: c.34dup, p.Ser12fs (NM_001122606.1, NM_013995.2); short protein forms S12fs.
Identifiers: ClinVar variation 953179 (VCV000953179.7), dbSNP rs1921663802, ClinGen allele CA1139667768.